The following is an entry in ClinVar:

ClinVar aggregate classification (germline): Pathogenic. Review status: criteria provided, single submitter (1 of 4 stars). 2 submissions from 2 submitters: Pathogenic (1). 1 of the submissions does not count toward it. Last evaluated 2023-12-01.

Conditions:
Hypertrophic cardiomyopathy 4. Also called: Familial hypertrophic cardiomyopathy 4. Identifiers: MedGen C1861862, MONDO:0007268, OMIM 115197.

Submissions (2):

CeGaT Center for Human Genetics Tuebingen
Classification: Pathogenic. Last evaluated: 2023-12-01. Review status: criteria provided, single submitter. Criteria: CeGaT Center For Human Genetics Tuebingen Variant Classification Criteria Version 2. Collection method: clinical testing. Allele origin: germline. Affected: yes. Observed: 6 variant alleles.
Comment: MYBPC3: PVS1, PM2

Bioscientia Institut fuer Medizinische Diagnostik GmbH, Sonic Healthcare
Classification: Likely pathogenic for Hypertrophic cardiomyopathy 4. Last evaluated: 2019-06-25. Review status: no assertion criteria provided. Collection method: clinical testing. Allele origin: germline. Affected: yes. Not counted in ClinVar's aggregate classification.

NM_000256.3(MYBPC3):c.519del (p.Phe174fs)

Gene: MYBPC3 (myosin binding protein C3; minus strand). Cytogenetic location: 11p11.2.
Variant type: Deletion.
Coding change: c.519del on transcript NM_000256.3 (MANE Select); coding-DNA position 519, one base deleted (C; older notation c.519delC).
Protein change: p.Phe174fs; shifts the reading frame from phenylalanine 174.
Molecular consequence: frameshift variant.
Genome position (GRCh38, 1-based): chr11:47,349,909, G deleted on the plus strand (C on the coding strand, the reverse complement: MYBPC3 is on the minus strand); the first of 2 consecutive G bases (chr11:47,349,909-47,349,910); deleting either gives the same sequence. VCF-style (leftmost placement, unchanged base first): chr11-47349908-AG-A. GRCh37 (hg19) VCF-style: chr11-47371459-AG-A.
Other names: short protein forms F174fs.
Identifiers: ClinVar variation 829875 (VCV000829875.28), dbSNP rs1595849742, ClinGen allele CA915948163.